The following is an entry in ClinVar:

NM_020911.2(PLXNA4):c.1487T>A (p.Ile496Asn)

Gene: PLXNA4 (plexin A4; minus strand). Cytogenetic location: 7q32.3.
Variant type: single nucleotide variant.
Coding change: c.1487T>A on transcript NM_020911.2 (MANE Select); coding-DNA position 1487, T replaced by A.
Protein change: p.Ile496Asn; replaces isoleucine 496 with asparagine.
Molecular consequence: missense variant.
Genome position (GRCh38, 1-based): chr7:132,298,107, A>T on the plus strand (T>A on the coding strand, the complement: PLXNA4 is on the minus strand). VCF-style: chr7-132298107-A-T. GRCh37 (hg19) VCF-style: chr7-131982866-A-T.
Other names: c.1487T>A, p.Ile496Asn (NM_001393897.1); short protein forms I496N.
Identifiers: ClinVar variation 4995173 (VCV004995173.1).
Genomic context (GRCh38, chr7:132,298,107, plus strand): 5'-TTTAACTGCAAGACAAATGTCTAGCGGAGCCCGAAGAGCCTTACCTGCCTCTCTGACATG[A>T]TGTAGAGTTGCTCGTGGTCCTTGGAGAAGGCCATATCCCGGAGGACTGGGCCGGGGTCCA-3'
Protein context (NP_065962.1, residues 486-506): AFSKDHEQLY[Ile496Asn]MSERQLTRVP

ClinVar aggregate classification (germline): Uncertain significance (1 of 4 stars; one submission).

Conditions:
PLXNA4-related disorder. Also called: PLXNA4-related condition.

Submission:

PreventionGenetics, part of Exact Sciences
Classification: Uncertain significance for PLXNA4-related condition. Last evaluated: 2025-10-15. Review status: criteria provided, single submitter. Criteria: ACMG Guidelines, 2015. Collection method: clinical testing. Allele origin: germline.
Comment: The PLXNA4 c.1487T>A variant is predicted to result in the amino acid substitution p.Ile496Asn. To our knowledge, this variant has not been reported in the literature or in a large population database (gnomAD), indicating this variant is rare. At this time, the clinical significance of this variant is uncertain due to the absence of conclusive functional and genetic evidence.